The following is an entry in ClinVar:

ClinVar aggregate classification (germline): Uncertain significance. Review status: criteria provided, multiple submitters, no conflicts (2 of 4 stars). 2 submissions from 2 submitters: Uncertain significance (2). Last evaluated 2025-06-15.

Conditions:
Cardiovascular phenotype. Identifiers: MedGen CN230736.
Arrhythmogenic cardiomyopathy with wooly hair and keratoderma. Also called: Carvajal syndrome; PALMOPLANTAR KERATODERMA WITH LEFT VENTRICULAR CARDIOMYOPATHY AND WOOLLY HAIR; Dilated cardiomyopathy with woolly hair and keratoderma; Arrhythmogenic cardiomyopathy with woolly hair and keratoderma. Identifiers: Orphanet 65282, MedGen C1854063, MONDO:0011581, OMIM 605676.
Arrhythmogenic right ventricular dysplasia 8 (ARVD8). Also called: ARRHYTHMOGENIC RIGHT VENTRICULAR DYSPLASIA, FAMILIAL, 8; ARRHYTHMOGENIC RIGHT VENTRICULAR CARDIOMYOPATHY 8; Arrhythmogenic Right Ventricular Dysplasia/Cardiomyopathy 8. Identifiers: MedGen C1843896, MONDO:0011831, OMIM 607450.

Allele frequency attached by ClinVar (database versions not stated): gnomAD exomes below 0.00001.
gnomAD v4.1: 2 of 1,614,030 alleles (0.00012%); highest among the groups gnomAD compares: Non-Finnish European, 0.00017%; no homozygotes.

Submissions (2):

Ambry Genetics
Classification: Uncertain significance for Cardiovascular phenotype. Last evaluated: 2025-06-15. Review status: criteria provided, single submitter. Criteria: Ambry Variant Classification Scheme 2023. Collection method: clinical testing. Allele origin: germline.
Comment: The p.K2447E variant (also known as c.7339A>G), located in coding exon 24 of the DSP gene, results from an A to G substitution at nucleotide position 7339. The lysine at codon 2447 is replaced by glutamic acid, an amino acid with similar properties. This amino acid position is conserved. In addition, this alteration is predicted to be tolerated by in silico analysis. Based on the available evidence, the clinical significance of this variant remains unclear.

Labcorp Genetics (formerly Invitae), Labcorp
Classification: Uncertain significance for Arrhythmogenic cardiomyopathy with wooly hair and keratoderma; Arrhythmogenic right ventricular dysplasia 8. Last evaluated: 2021-08-05. Review status: criteria provided, single submitter. Criteria: Invitae Variant Classification Sherloc (09022015). Collection method: clinical testing. Allele origin: germline.
Comment: This variant has not been reported in the literature in individuals with DSP-related conditions. This variant is not present in population databases (ExAC no frequency). This sequence change replaces lysine with glutamic acid at codon 2447 of the DSP protein (p.Lys2447Glu). The lysine residue is moderately conserved and there is a small physicochemical difference between lysine and glutamic acid. Algorithms developed to predict the effect of missense changes on protein structure and function (SIFT, PolyPhen-2, Align-GVGD) all suggest that this variant is likely to be tolerated, but these predictions have not been confirmed by published functional studies and their clinical significance is uncertain. In summary, the available evidence is currently insufficient to determine the role of this variant in disease. Therefore, it has been classified as a Variant of Uncertain Significance.

NM_004415.4(DSP):c.7339A>G (p.Lys2447Glu)

Gene: DSP (desmoplakin; plus strand). Cytogenetic location: 6p24.3.
Variant type: single nucleotide variant.
Coding change: c.7339A>G on transcript NM_004415.4 (MANE Select); coding-DNA position 7339, A replaced by G.
Protein change: p.Lys2447Glu; replaces lysine 2447 with glutamic acid.
Molecular consequence: missense variant.
Genome position (GRCh38, 1-based): chr6:7,584,601, A>G. VCF-style: chr6-7584601-A-G. GRCh37 (hg19) VCF-style: chr6-7584834-A-G.
Other names: c.5542A>G, p.Lys1848Glu (NM_001008844.3); c.6010A>G, p.Lys2004Glu (NM_001319034.2); short protein forms K1848E, K2004E, K2447E.
Identifiers: ClinVar variation 966104 (VCV000966104.11), dbSNP rs1759567175, ClinGen allele CA362692778.